The following is an entry in ClinVar:

ClinVar aggregate classification (germline): Likely benign (1 of 4 stars; one submission).

Conditions:
CHM-related disorder. Also called: CHM-related condition.

Submission:

PreventionGenetics, part of Exact Sciences
Classification: Likely benign for CHM-related condition. Last evaluated: 2025-05-22. Review status: criteria provided, single submitter. Criteria: ACMG Guidelines, 2015. Collection method: clinical testing. Allele origin: germline.
Comment: This variant is classified as likely benign based on ACMG/AMP sequence variant interpretation guidelines (Richards et al. 2015 PMID: 25741868, with internal and published modifications).

NM_000390.4(CHM):c.315-1542G>T

Gene: CHM (CHM Rab escort protein; minus strand). Cytogenetic location: Xq21.2.
Variant type: single nucleotide variant.
Coding change: c.315-1542G>T on transcript NM_000390.4 (MANE Select); 1542 bases into the intron before coding-DNA position 315, G replaced by T.
Molecular consequence: intron variant.
Genome position (GRCh38, 1-based): chrX:85,965,594, C>A on the plus strand (G>T on the coding strand, the complement: CHM is on the minus strand). VCF-style: chrX-85965594-C-A. GRCh37 (hg19) VCF-style: chrX-85220599-C-A.
Other names: c.-126-1546G>T (NM_001362519.1, NM_001362518.2); c.-130-1542G>T (NM_001362517.1, NM_001320959.1).
Identifiers: ClinVar variation 4984987 (VCV004984987.1).